The following is an entry in ClinVar:

NM_032383.5(HPS3):c.2543_2552del (p.Asp848fs)

Genes: CP (ceruloplasmin; minus strand), HPS3 (HPS3 biogenesis of lysosomal organelles complex 2 subunit 1; plus strand). Cytogenetic location: 3q24.
Variant type: Deletion.
Coding change: c.2543_2552del on transcript NM_032383.5 (MANE Select); coding-DNA positions 2543 to 2552, 10 bases deleted (ATTCTTTAGC; older notation c.2543_2552delATTCTTTAGC).
Protein change: p.Asp848fs; shifts the reading frame from aspartic acid 848.
Molecular consequence: frameshift variant.
Genome position (GRCh38, 1-based): chr3:149,163,903-149,163,912, ATTCTTTAGC deleted. VCF-style (leftmost placement, unchanged base first): chr3-149163902-GATTCTTTAGC-G. GRCh37 (hg19) VCF-style: chr3-148881689-GATTCTTTAGC-G.
Other names: c.2048_2057del, p.Asp683fs (NM_001308258.2); short protein forms D683fs, D848fs.
Identifiers: ClinVar variation 1726997 (VCV001726997.2), dbSNP rs2473128694, ClinGen allele CA2580068962.

ClinVar aggregate classification (germline): Likely pathogenic (1 of 4 stars; one submission).

Conditions:
Hermansky-Pudlak syndrome 3 (HPS3). Identifiers: Orphanet 231512, Orphanet 79430, MedGen C3888001, MONDO:0013555, OMIM 614072.

Submission:

Myriad Genetics, Inc.
Classification: Likely pathogenic for Hermansky-Pudlak syndrome 3. Last evaluated: 2022-01-08. Review status: criteria provided, single submitter. Criteria: Myriad Women's Health Autosomal Recessive and X-Linked Classification Criteria (2021). Collection method: clinical testing. Allele origin: unknown.
Comment: NM_032383.3(HPS3):c.2543_2552del10(D848Vfs*23) is expected to be pathogenic in the context of Hermansky-Pudlak syndrome type 3. This variant is predicted to lead to an abnormal or absent protein product due to the creation of a premature termination codon in HPS3, a gene where loss-of-function variants are known to be pathogenic. Please note: this variant was assessed in the context of healthy population screening.